The following is an entry in ClinVar:

NM_013254.4(TBK1):c.87G>T (p.Lys29Asn)

Gene: TBK1 (TANK binding kinase 1; plus strand). Cytogenetic location: 12q14.2.
Variant type: single nucleotide variant.
Coding change: c.87G>T on transcript NM_013254.4 (MANE Select); coding-DNA position 87, G replaced by T.
Protein change: p.Lys29Asn; replaces lysine 29 with asparagine.
Molecular consequence: missense variant.
Genome position (GRCh38, 1-based): chr12:64,455,957, G>T. VCF-style: chr12-64455957-G-T. GRCh37 (hg19) VCF-style: chr12-64849737-G-T.
Other names: short protein forms K29N.
Identifiers: ClinVar variation 3662029 (VCV003662029.3).

ClinVar aggregate classification (germline): Uncertain significance. Review status: criteria provided, multiple submitters, no conflicts (2 of 4 stars). 2 submissions from 2 submitters: Uncertain significance (2). Last evaluated 2024-10-21.

Conditions:
Frontotemporal dementia and/or amyotrophic lateral sclerosis 4. Also called: FTDALS4. Identifiers: Orphanet 275872, MedGen C4225325, MONDO:0014641, OMIM 616439.

Submissions (2):

3billion
Classification: Uncertain significance for Frontotemporal dementia and/or amyotrophic lateral sclerosis 4. Last evaluated: 2024-10-21. Review status: criteria provided, single submitter. Criteria: ACMG Guidelines, 2015. Collection method: clinical testing. Allele origin: germline. Affected: yes.
Comment: The variant is not observed in the gnomAD v4.1.0 dataset. Predicted Consequence/Location: Missense variant. However, is predicted to result in loss of function through splicing alteration. In silico tools predict the variant to alter splicing and produce an abnormal transcript [SpliceAI: 0.73 (>=0.2, moderate evidence for spliceogenicity)]. Therefore, this variant is classified as VUS according to the recommendation of ACMG/AMP guideline.

Labcorp Genetics (formerly Invitae), Labcorp
Classification: Uncertain significance for Frontotemporal dementia and/or amyotrophic lateral sclerosis 4. Last evaluated: 2024-08-11. Review status: criteria provided, single submitter. Criteria: Invitae Variant Classification Sherloc (09022015). Collection method: clinical testing. Allele origin: germline.
Comment: This sequence change replaces lysine, which is basic and polar, with asparagine, which is neutral and polar, at codon 29 of the TBK1 protein (p.Lys29Asn). This variant also falls at the last nucleotide of exon 2, which is part of the consensus splice site for this exon. This variant is not present in population databases (gnomAD no frequency). This variant has not been reported in the literature in individuals affected with TBK1-related conditions. An algorithm developed to predict the effect of missense changes on protein structure and function (PolyPhen-2) suggests that this variant is likely to be disruptive. Variants that disrupt the consensus splice site are a relatively common cause of aberrant splicing (PMID: 17576681, 9536098). Algorithms developed to predict the effect of sequence changes on RNA splicing suggest that this variant may disrupt the consensus splice site. In summary, the available evidence is currently insufficient to determine the role of this variant in disease. Therefore, it has been classified as a Variant of Uncertain Significance.

Literature cited by the submitters: PubMed 17576681 (cited by Labcorp Genetics (formerly Invitae), Labcorp); PubMed 9536098 (cited by Labcorp Genetics (formerly Invitae), Labcorp).